The following is an entry in ClinVar:

NM_001933.5(DLST):c.74C>T (p.Pro25Leu)

Gene: DLST (dihydrolipoamide S-succinyltransferase; plus strand). Cytogenetic location: 14q24.3.
Variant type: single nucleotide variant.
Coding change: c.74C>T on transcript NM_001933.5 (MANE Select); coding-DNA position 74, C replaced by T.
Protein change: p.Pro25Leu; replaces proline 25 with leucine.
Molecular consequence: missense variant. On other transcripts: non-coding transcript variant (2).
Genome position (GRCh38, 1-based): chr14:74,882,601, C>T. VCF-style: chr14-74882601-C-T. GRCh37 (hg19) VCF-style: chr14-75349304-C-T.
Other names: c.74C>T, p.Pro25Leu (NM_001244883.2); short protein forms P25L.
Identifiers: ClinVar variation 3032362 (VCV003032362.4), dbSNP rs772084092, ClinGen allele CA7273295.

ClinVar aggregate classification (germline): Uncertain significance. Review status: criteria provided, single submitter (1 of 4 stars). 2 submissions from 2 submitters: Uncertain significance (1). 1 of the submissions does not count toward it. Last evaluated 2024-11-19.

Conditions:
DLST-related disorder. Also called: DLST-related condition.

Allele frequency attached by ClinVar (database versions not stated): ExAC 0.00002; gnomAD 0.00004; TOPMed 0.00009.
gnomAD v4.1: 28 of 1,613,790 alleles (0.0017%); highest among the groups gnomAD compares: Non-Finnish European, 0.0023%; no homozygotes.

Submissions (2):

Labcorp Genetics (formerly Invitae), Labcorp
Classification: Uncertain significance. Last evaluated: 2024-11-19. Review status: criteria provided, single submitter. Criteria: Invitae Variant Classification Sherloc (09022015). Collection method: clinical testing. Allele origin: germline.
Comment: This sequence change replaces proline, which is neutral and non-polar, with leucine, which is neutral and non-polar, at codon 25 of the DLST protein (p.Pro25Leu). This variant is present in population databases (rs772084092, gnomAD 0.005%). This variant has not been reported in the literature in individuals affected with DLST-related conditions. ClinVar contains an entry for this variant (Variation ID: 3032362). In summary, the available evidence is currently insufficient to determine the role of this variant in disease. Therefore, it has been classified as a Variant of Uncertain Significance.

PreventionGenetics, part of Exact Sciences
Classification: Uncertain significance for DLST-related condition. Last evaluated: 2024-02-20. Review status: no assertion criteria provided. Collection method: clinical testing. Allele origin: germline. Not counted in ClinVar's aggregate classification.
Comment: The DLST c.74C>T variant is predicted to result in the amino acid substitution p.Pro25Leu. To our knowledge, this variant has not been reported in the literature. This variant is reported in 0.0046% of alleles in individuals of European (non-Finnish) descent in gnomAD. At this time, the clinical significance of this variant is uncertain due to the absence of conclusive functional and genetic evidence.